The following is an entry in ClinVar:

ClinVar aggregate classification (germline): Uncertain significance (1 of 4 stars; one submission).

Allele frequency attached by ClinVar (database versions not stated): gnomAD 0.00001; gnomAD exomes 0.00001 and 0.00004; ExAC 0.00010.

Submission:

Labcorp Genetics (formerly Invitae), Labcorp
Classification: Uncertain significance. Last evaluated: 2023-02-26. Review status: criteria provided, single submitter. Criteria: Invitae Variant Classification Sherloc (09022015). Collection method: clinical testing. Allele origin: germline.
Comment: ClinVar contains an entry for this variant (Variation ID: 1373063). In summary, the available evidence is currently insufficient to determine the role of this variant in disease. Therefore, it has been classified as a Variant of Uncertain Significance. Experimental studies and prediction algorithms are not available or were not evaluated, and the functional significance of this variant is currently unknown. This variant has not been reported in the literature in individuals affected with IRF2BP2-related conditions. The frequency data for this variant in the population databases is considered unreliable, as metrics indicate poor data quality at this position in the gnomAD database. This sequence change replaces alanine, which is neutral and non-polar, with valine, which is neutral and non-polar, at codon 9 of the IRF2BP2 protein (p.Ala9Val).

NM_182972.3(IRF2BP2):c.26C>T (p.Ala9Val)

Gene: IRF2BP2 (interferon regulatory factor 2 binding protein 2; minus strand). Cytogenetic location: 1q42.3.
Variant type: single nucleotide variant.
Coding change: c.26C>T on transcript NM_182972.3 (MANE Select); coding-DNA position 26, C replaced by T.
Protein change: p.Ala9Val; replaces alanine 9 with valine.
Molecular consequence: missense variant.
Genome position (GRCh38, 1-based): chr1:234,609,469, G>A on the plus strand (C>T on the coding strand, the complement: IRF2BP2 is on the minus strand). VCF-style: chr1-234609469-G-A. GRCh37 (hg19) VCF-style: chr1-234745215-G-A.
Other names: c.26C>T, p.Ala9Val (NM_001077397.1); short protein forms A9V.
Identifiers: ClinVar variation 1373063 (VCV001373063.6), dbSNP rs751157125, ClinGen allele CA1461917.